The following is an entry in ClinVar:

NM_007118.4(TRIO):c.7115C>G (p.Pro2372Arg)

Gene: TRIO (trio Rho guanine nucleotide exchange factor; plus strand). Cytogenetic location: 5p15.2.
Variant type: single nucleotide variant.
Coding change: c.7115C>G on transcript NM_007118.4 (MANE Select); coding-DNA position 7115, C replaced by G.
Protein change: p.Pro2372Arg; replaces proline 2372 with arginine.
Molecular consequence: missense variant.
Genome position (GRCh38, 1-based): chr5:14,487,743, C>G. VCF-style: chr5-14487743-C-G. GRCh37 (hg19) VCF-style: chr5-14487852-C-G.
Other names: short protein forms P2372R.
Identifiers: ClinVar variation 3391355 (VCV003391355.1).

ClinVar aggregate classification (germline): Uncertain significance (1 of 4 stars; one submission).

Conditions:
Intellectual developmental disorder, autosomal dominant 63, with macrocephaly. Also called: MENTAL RETARDATION, AUTOSOMAL DOMINANT 63, WITH MACROCEPHALY. Identifiers: MedGen C5394205, MONDO:0032939, OMIM 618825.

Submission:

Neuberg Centre For Genomic Medicine, NCGM
Classification: Uncertain significance for Intellectual developmental disorder, autosomal dominant 63, with macrocephaly. Last evaluated: 2023-07-22. Review status: criteria provided, single submitter. Criteria: ACMG Guidelines, 2015. Collection method: clinical testing. Allele origin: germline. Inheritance: Autosomal dominant inheritance. Affected: yes.
Comment: The observed missense c.7115C>Gp.Pro2372Arg variant in TRIO gene has not been reported previously as a pathogenic variant nor as a benign variant, to our knowledge. This variant is absent in gnomAD Exomes. The amino acid Pro at position 2372 is changed to a Arg changing protein sequence and it might alter its composition and physico-chemical properties. The amino acid change p.Pro2372Arg in TRIO is predicted as conserved by GERP++ and PhyloP across 100 vertebrates. Multiple lines of computational evidence Polyphen - Possibly Damaging, SIFT - Damaging, and MutationTaster - Disease causing predict a damaging effect on protein structure and function for this variant. For these reasons, this variant has been classified as Uncertain Significance.